The following is an entry in ClinVar:

NM_024854.5(PYROXD1):c.944G>T (p.Ser315Ile)

Gene: PYROXD1 (pyridine nucleotide-disulphide oxidoreductase domain 1; plus strand). Cytogenetic location: 12p12.1.
Variant type: single nucleotide variant.
Coding change: c.944G>T on transcript NM_024854.5 (MANE Select); coding-DNA position 944, G replaced by T.
Protein change: p.Ser315Ile; replaces serine 315 with isoleucine.
Molecular consequence: missense variant.
Genome position (GRCh38, 1-based): chr12:21,462,071, G>T. VCF-style: chr12-21462071-G-T. GRCh37 (hg19) VCF-style: chr12-21615005-G-T.
Other names: c.731G>T, p.Ser244Ile (NM_001350912.2); c.167G>T, p.Ser56Ile (NM_001350913.2); short protein forms S56I, S315I, S244I.
Identifiers: ClinVar variation 1357293 (VCV001357293.6), dbSNP rs2137281888, ClinGen allele CA384110152.

ClinVar aggregate classification (germline): Uncertain significance (1 of 4 stars; one submission).

Submission:

Labcorp Genetics (formerly Invitae), Labcorp
Classification: Uncertain significance. Last evaluated: 2022-11-08. Review status: criteria provided, single submitter. Criteria: Invitae Variant Classification Sherloc (09022015). Collection method: clinical testing. Allele origin: germline.
Comment: In summary, the available evidence is currently insufficient to determine the role of this variant in disease. Therefore, it has been classified as a Variant of Uncertain Significance. Advanced modeling of protein sequence and biophysical properties (such as structural, functional, and spatial information, amino acid conservation, physicochemical variation, residue mobility, and thermodynamic stability) performed at Invitae indicates that this missense variant is expected to disrupt PYROXD1 protein function. ClinVar contains an entry for this variant (Variation ID: 1357293). This variant has not been reported in the literature in individuals affected with PYROXD1-related conditions. This variant is not present in population databases (gnomAD no frequency). This sequence change replaces serine, which is neutral and polar, with isoleucine, which is neutral and non-polar, at codon 315 of the PYROXD1 protein (p.Ser315Ile).